The following is an entry in ClinVar:

ClinVar aggregate classification (germline): Pathogenic. Review status: criteria provided, multiple submitters, no conflicts (2 of 4 stars). 3 submissions from 3 submitters: Pathogenic (3). Last evaluated 2023-09-12.

Conditions:
Familial adenomatous polyposis 4 (FAP4). Also called: MSH3-related attenuated familial adenomatous polyposis. Identifiers: Orphanet 480536, MedGen C4310719, MONDO:0044300, OMIM 617100.
Hereditary cancer-predisposing syndrome. Also called: Hereditary neoplastic syndrome; Tumor predisposition; Neoplastic Syndromes, Hereditary; Hereditary Cancer Syndrome. Identifiers: Orphanet 140162, MedGen C0027672, MeSH D009386, MONDO:0015356.

Submissions (3):

Labcorp Genetics (formerly Invitae), Labcorp
Classification: Pathogenic. Last evaluated: 2023-09-12. Review status: criteria provided, single submitter. Criteria: Invitae Variant Classification Sherloc (09022015). Collection method: clinical testing. Allele origin: germline.
Comment: This sequence change creates a premature translational stop signal (p.Thr959Serfs*17) in the MSH3 gene. It is expected to result in an absent or disrupted protein product. Loss-of-function variants in MSH3 are known to be pathogenic (PMID: 27476653, 37402566). This variant is not present in population databases (gnomAD no frequency). This variant has not been reported in the literature in individuals affected with MSH3-related conditions. ClinVar contains an entry for this variant (Variation ID: 656877). For these reasons, this variant has been classified as Pathogenic.

Myriad Genetics, Inc.
Classification: Pathogenic for Familial adenomatous polyposis 4. Last evaluated: 2023-08-31. Review status: criteria provided, single submitter. Criteria: Myriad Autosomal Dominant, Autosomal Recessive and X-Linked Classification Criteria (2023). Collection method: clinical testing. Allele origin: unknown.
Comment: This variant is considered pathogenic. This variant creates a frameshift predicted to result in premature protein truncation.

Ambry Genetics
Classification: Pathogenic for Hereditary cancer-predisposing syndrome. Last evaluated: 2021-03-22. Review status: criteria provided, single submitter. Criteria: Ambry Variant Classification Scheme 2023. Collection method: clinical testing. Allele origin: germline.
Comment: The c.2876_2877delCA pathogenic mutation, located in coding exon 21 of the MSH3 gene, results from a deletion of two nucleotides at nucleotide positions 2876 to 2877, causing a translational frameshift with a predicted alternate stop codon (p.T959Sfs*17). This alteration is expected to result in loss of function by premature protein truncation or nonsense-mediated mRNA decay. As such, this alteration is interpreted as a disease-causing mutation.

Literature cited by the submitters: PubMed 27476653 (cited by Labcorp Genetics (formerly Invitae), Labcorp); PubMed 37402566 (cited by Labcorp Genetics (formerly Invitae), Labcorp).

NM_002439.5(MSH3):c.2876_2877del (p.Thr959fs)

Gene: MSH3 (mutS homolog 3; plus strand). Cytogenetic location: 5q14.1.
Variant type: Microsatellite.
Coding change: c.2876_2877del on transcript NM_002439.5 (MANE Select); coding-DNA positions 2876 to 2877, 2 bases deleted (CA; older notation c.2876_2877delCA).
Protein change: p.Thr959fs; shifts the reading frame from threonine 959.
Molecular consequence: frameshift variant.
Genome position (GRCh38, 1-based): chr5:80,854,192-80,854,193, CA deleted; deleting any 2 consecutive bases within chr5:80,854,189-80,854,193 gives the same sequence; the c. name uses the placement nearest the transcript's 3' end. VCF-style (leftmost placement, unchanged base first): chr5-80854188-GAC-G. GRCh37 (hg19) VCF-style: chr5-80150007-GAC-G.
Other names: c.2876_2877del (NM_002439.4); short protein forms T959fs.
Identifiers: ClinVar variation 656877 (VCV000656877.12), dbSNP rs1580091512, ClinGen allele CA915943375.
Genomic context (GRCh38, chr5:80,854,188, plus strand): 5'-AGGATGGGTGCTGCAGACAATATATATAAAGGACAGAGTACATTTATGGAAGAACTGACT[GAC>G]ACAGCAGAAATAATCAGAAAAGCAACATCACAGTCCTTGGTTATCTTGGATGAACTAGGA-3'